The following continues an entry in ClinVar:

NM_000152.5(GAA):c.1561G>A (p.Glu521Lys)

Gene: GAA. ClinVar aggregate classification (germline): Pathogenic. Pathogenic (1).

Submissions 10 to 13 of 13:

3billion
Classification: Pathogenic for Glycogen storage disease, type II. Last evaluated: 2022-05-22. Review status: criteria provided, single submitter. Criteria: ACMG Guidelines, 2015. Collection method: clinical testing. Allele origin: germline. Affected: yes. Observed: 1 heterozygote. Not counted in ClinVar's aggregate classification.
Comment: The variant is observed at an extremely low frequency in the gnomAD v2.1.1 dataset (total allele frequency: <0.001%). The variant is in trans with NM_000152.5:c.1556T>C variant. In silico tool predictions suggest damaging effect of the variant on gene or gene product (REVEL: 0.93; 3Cnet: 0.95). Same nucleotide change resulting in same amino acid change has been previously reported as pathogenic/likely pathogenic with strong evidence (ClinVar ID: VCV000004022). The variant is in trans with the other variant. Different missense changes at the same codon (p.Glu521Gln, p.Glu521Val) have been reported to be associated with GAA related disorder (ClinVar ID: VCV000972760 / PMID: 18425781, 25526786). Therefore, this variant is classified as pathogenic according to the recommendation of ACMG/AMP guideline.

Broad Center for Mendelian Genomics, Broad Institute of MIT and Harvard
Classification: Pathogenic for Glycogen storage disease, type II. Last evaluated: 2020-01-22. Review status: criteria provided, single submitter. Criteria: ACMG Guidelines, 2015. Collection method: curation. Allele origin: germline. Inheritance: Autosomal recessive inheritance. Not counted in ClinVar's aggregate classification.
Comment: The p.Glu521Lys variant in GAA has been reported in 11 individuals (including at least 3 Caucasian and 2 Indian individuals) with Glycogen Storage Disease II, segregated with disease in 2 affected siblings from 1 family (PMID: 21605996, 19862843, 22704482, 1898413, 17723315, 17027861, 22676651, 25673129, 20033296, 20308911), and has been identified in 0.003% (1/30616) of South Asian chromosomes by gnomAD by the Genome Aggregation Database (gnomAD; dbSNP rs121907937). Although this variant has been seen in the general population, its frequency is low enough to be consistent with a recessive carrier frequency. This variant has also been reported likely pathogenic by Counsyl and pathogenic by OMIM in ClinVar (Variation ID: 4022). Another variant at this position, p.Glu521Val, has been reported as a VUS in association with disease in the literature (PMID: 25526786). In vitro functional studies, including transfection of COS cells and a Western Blot, provide some evidence that the p.Glu521Lys variant may impact protein processing and function (PMID: 1898413, 19862843). However, these types of assays may not accurately represent biological function. Computational prediction tools and conservation analyses suggest that this variant may impact the protein, though this information is not predictive enough to determine pathogenicity. The presence of this variant in combination with reported pathogenic variants in compound heterozygous individuals with Glycogen Storage Disease II increases the likelihood that the p.Glu521Lys variant is pathogenic (PMID: 25673129, 17723315, 20033296). The phenotype of homozygous and heterozygous individuals with this variant is highly specific for Glycogen Storage Disease II based on GAA enzyme activity assays (PMID: 21605996, 25673129, 22676651, 20033296, 17723315, 1898413). In summary, this variant meets criteria to be classified as pathogenic for Glycogen Storage Disease II in an autosomal recessive manner based on in vitro functional studies and multiple occurrences with pathogenic variants in affected individuals. ACMG/AMP Criteria applied: PM3, PS3, PM2, PP3, PP4 (Richards 2015).

Counsyl
Classification: Likely pathogenic for Glycogen storage disease, type II. Last evaluated: 2014-11-20. Review status: no assertion criteria provided. Collection method: literature only. Allele origin: unknown. Inheritance: Autosomal recessive inheritance. Not counted in ClinVar's aggregate classification.

OMIM
Classification: Pathogenic for POMPE DISEASE, INFANTILE-ONSET. Last evaluated: 1991-09-16. Review status: no assertion criteria provided. Collection method: literature only. Allele origin: germline. Not counted in ClinVar's aggregate classification.

Literature cited by the submitters: PubMed 37542277 (cited by Genomenon, Inc); PubMed 34852371 (cited by Genomenon, Inc); PubMed 34734785 (cited by Genomenon, Inc); PubMed 33301762 (cited by Genomenon, Inc); PubMed 1898413 (cited by 5 submitters); PubMed 17723315 (cited by 4 submitters); PubMed 20033296 (cited by Genomenon, Inc); PubMed 25526786 (cited by 3 submitters); PubMed 19862843 (cited by 4 submitters); PubMed 22676651 (cited by 3 submitters); PubMed 26830551 (cited by Women's Health and Genetics/Laboratory Corporation of America, LabCorp); PubMed 18425781 (cited by 3billion); PubMed 23350563 (cited by Counsyl); PubMed 22704482 (cited by Counsyl); PubMed 21605996 (cited by Counsyl); PubMed 22980766 (cited by Counsyl); PubMed 15501829 (cited by Counsyl); PubMed 17027861 (cited by Counsyl).